The following is an entry in ClinVar:

NM_001098.3(ACO2):c.219C>G (p.His73Gln)

Gene: ACO2 (aconitase 2; plus strand). Cytogenetic location: 22q13.2.
Variant type: single nucleotide variant.
Coding change: c.219C>G on transcript NM_001098.3 (MANE Select); coding-DNA position 219, C replaced by G.
Protein change: p.His73Gln; replaces histidine 73 with glutamine.
Molecular consequence: missense variant.
Genome position (GRCh38, 1-based): chr22:41,507,836, C>G. VCF-style: chr22-41507836-C-G. GRCh37 (hg19) VCF-style: chr22-41903840-C-G.
Other names: short protein forms H73Q.
Identifiers: ClinVar variation 1035589 (VCV001035589.9), dbSNP rs2066405290, ClinGen allele CA411712981.
Genomic context (GRCh38, chr22:41,507,836, plus strand): 5'-CTCTTCTCCCCACAGACTGAACCGGCCGCTGACACTCTCGGAGAAGATTGTGTATGGACA[C>G]CTGGATGACCCCGCCAGCCAGGAAATTGAGCGAGGCAAGTCGTACCTGCGGCTGCGGCCG-3'
Protein context (NP_001089.1, residues 63-83): LTLSEKIVYG[His73Gln]LDDPASQEIE

ClinVar aggregate classification (germline): Uncertain significance (1 of 4 stars; one submission).

Submission:

Labcorp Genetics (formerly Invitae), Labcorp
Classification: Uncertain significance. Last evaluated: 2020-02-18. Review status: criteria provided, single submitter. Criteria: Invitae Variant Classification Sherloc (09022015). Collection method: clinical testing. Allele origin: germline.
Comment: Algorithms developed to predict the effect of missense changes on protein structure and function are either unavailable or do not agree on the potential impact of this missense change (SIFT: "Deleterious"; PolyPhen-2: "Probably Damaging"; Align-GVGD: "Class C15"). This sequence change replaces histidine with glutamine at codon 73 of the ACO2 protein (p.His73Gln). The histidine residue is highly conserved and there is a small physicochemical difference between histidine and glutamine. This variant is not present in population databases (ExAC no frequency). This variant has not been reported in the literature in individuals with ACO2-related conditions. Algorithms developed to predict the effect of sequence changes on RNA splicing suggest that this variant may create or strengthen a splice site, but this prediction has not been confirmed by published transcriptional studies. In summary, the available evidence is currently insufficient to determine the role of this variant in disease. Therefore, it has been classified as a Variant of Uncertain Significance.